The following is an entry in ClinVar:

NM_001348323.3(TRIP12):c.2198T>C (p.Leu733Ser)

Gene: TRIP12 (thyroid hormone receptor interactor 12; minus strand). Cytogenetic location: 2q36.3.
Variant type: single nucleotide variant.
Coding change: c.2198T>C on transcript NM_001348323.3 (MANE Select); coding-DNA position 2198, T replaced by C.
Protein change: p.Leu733Ser; replaces leucine 733 with serine.
Molecular consequence: missense variant.
Genome position (GRCh38, 1-based): chr2:229,810,903, A>G on the plus strand (T>C on the coding strand, the complement: TRIP12 is on the minus strand). VCF-style: chr2-229810903-A-G. GRCh37 (hg19) VCF-style: chr2-230675619-A-G.
Other names: c.2198T>C, p.Leu733Ser (NM_001284214.2, NM_001348315.2, NM_001348319.1 and 11 more transcripts); c.2072T>C, p.Leu691Ser (NM_001284215.2, NM_001348316.2, NM_001348317.1 and 2 more transcripts); c.1163T>C, p.Leu388Ser (NM_001284216.2); c.2111T>C, p.Leu704Ser (NM_001348332.1); c.2054T>C, p.Leu685Ser (NM_004238.3); short protein forms L388S, L685S, L691S, L704S, L733S.
Identifiers: ClinVar variation 4070626 (VCV004070626.1).
Genomic context (GRCh38, chr2:229,810,903, plus strand): 5'-TTTCCTGCTTAAAGTAGAACAGTAAATTTGCACTTACTTTGTTTCATAAGTTGAACAGCT[A>G]AAGTTGGACAGTTGGAACACATCAGAGAAAACATGCGAACCACCATTATAAACATCCCAG-3'
Protein context (NP_001335252.1, residues 723-743): FSLMCSNCPT[Leu733Ser]AVQLMKQNIA

ClinVar aggregate classification (germline): Uncertain significance (1 of 4 stars; one submission).

gnomAD v4.1: 1 of 1,613,826 alleles (0.000062%); highest among the groups gnomAD compares: Non-Finnish European, 0.000085%; no homozygotes.

Submission:

GeneDx
Classification: Uncertain significance. Last evaluated: 2025-01-21. Review status: criteria provided, single submitter. Criteria: GeneDx Variant Classification Process June 2021. Collection method: clinical testing. Allele origin: germline. Affected: yes.
Comment: In silico analysis supports that this missense variant has a deleterious effect on protein structure/function; Has not been previously published as pathogenic or benign to our knowledge